The following is an entry in ClinVar:

NM_001127511.3(APC):c.165+21163C>T

Gene: APC (APC regulator of Wnt signaling pathway; plus strand). Cytogenetic location: 5q22.2.
Variant type: single nucleotide variant.
Coding change: c.165+21163C>T on transcript NM_001127511.3; 21163 bases into the intron after coding-DNA position 165, C replaced by T.
Molecular consequence: intron variant.
Genome position (GRCh38, 1-based): chr5:112,729,045, C>T. VCF-style: chr5-112729045-C-T. GRCh37 (hg19) VCF-style: chr5-112064742-C-T.
Other names: c.-1054+21163C>T (NM_001407470.1, NM_001407472.1); c.-19+21163C>T (NM_001407447.1, NM_001354895.2, NM_001407456.1 and 3 more transcripts); c.165+21163C>T (NM_001407446.1, NM_001354897.2, NM_001354902.2); c.-19+21396C>T (NM_001407448.1, NM_001407450.1, NM_001407457.1 and 1 more transcripts); c.-43+21396C>T (NM_001407453.1).
Identifiers: ClinVar variation 82298 (VCV000082298.4), dbSNP rs75709300, ClinGen allele CA023524.

ClinVar aggregate classification (germline): other (0 of 4 stars; one submission).

Conditions:
Familial colorectal cancer. Identifiers: MedGen CN280943, MONDO:0023113. Disease mechanism: loss of function.

Submission:

Systems Biology Platform Zhejiang California International NanoSystems Institute
Classification: other for Familial colorectal cancer. Review status: no assertion criteria provided. Collection method: not provided. Allele origin: unknown.
ClinVar note: Converted during submission from cancer to other.